The following is an entry in ClinVar:

NM_053025.4(MYLK):c.3863A>G (p.Asn1288Ser)

Gene: MYLK (myosin light chain kinase; minus strand). Cytogenetic location: 3q21.1.
Variant type: single nucleotide variant.
Coding change: c.3863A>G on transcript NM_053025.4 (MANE Select); coding-DNA position 3863, A replaced by G.
Protein change: p.Asn1288Ser; replaces asparagine 1288 with serine.
Molecular consequence: missense variant.
Genome position (GRCh38, 1-based): chr3:123,664,227, T>C on the plus strand (A>G on the coding strand, the complement: MYLK is on the minus strand). VCF-style: chr3-123664227-T-C. GRCh37 (hg19) VCF-style: chr3-123383074-T-C.
Other names: c.3335A>G, p.Asn1112Ser (NM_001321309.2); c.3656A>G, p.Asn1219Ser (NM_053026.4, NM_053028.4); c.3863A>G, p.Asn1288Ser (NM_053027.4); short protein forms N1288S, N1112S, N1219S.
Identifiers: ClinVar variation 658285 (VCV000658285.7), dbSNP rs1576474081, ClinGen allele CA354229452.

ClinVar aggregate classification (germline): Uncertain significance. Review status: criteria provided, multiple submitters, no conflicts (2 of 4 stars). 2 submissions from 2 submitters: Uncertain significance (2). Last evaluated 2022-06-02.

Conditions:
Aortic aneurysm, familial thoracic 7 (AAT7). Also called: AORTIC DISSECTION, FAMILIAL, WITH OR WITHOUT AORTIC ANEURYSM. Identifiers: MedGen C3151077, MONDO:0013418, OMIM 613780.
Familial thoracic aortic aneurysm and aortic dissection (TAAD). Also called: Thoracic aortic aneurysms and dissections. Identifiers: Orphanet 91387, MedGen C4707243, MONDO:0019625.

Allele frequency attached by ClinVar (database versions not stated): gnomAD exomes below 0.00001.
gnomAD v4.1: 1 of 1,614,160 alleles (0.000062%); highest among the groups gnomAD compares: Non-Finnish European, 0.000085%; no homozygotes.

Submissions (2):

Ambry Genetics
Classification: Uncertain significance for Familial thoracic aortic aneurysm and aortic dissection. Last evaluated: 2022-06-02. Review status: criteria provided, single submitter. Criteria: Ambry Variant Classification Scheme 2023. Collection method: clinical testing. Allele origin: germline.
Comment: The p.N1288S variant (also known as c.3863A>G), located in coding exon 20 of the MYLK gene, results from an A to G substitution at nucleotide position 3863. The asparagine at codon 1288 is replaced by serine, an amino acid with highly similar properties. This amino acid position is conserved. In addition, this alteration is predicted to be tolerated by in silico analysis. Since supporting evidence is limited at this time, the clinical significance of this alteration remains unclear.

Labcorp Genetics (formerly Invitae), Labcorp
Classification: Uncertain significance for Aortic aneurysm, familial thoracic 7. Last evaluated: 2021-09-01. Review status: criteria provided, single submitter. Criteria: Invitae Variant Classification Sherloc (09022015). Collection method: clinical testing. Allele origin: germline.
Comment: This sequence change replaces asparagine with serine at codon 1288 of the MYLK protein (p.Asn1288Ser). The asparagine residue is highly conserved and there is a small physicochemical difference between asparagine and serine. This variant is not present in population databases (ExAC no frequency). This variant has not been reported in the literature in individuals affected with MYLK-related conditions. Algorithms developed to predict the effect of missense changes on protein structure and function output the following: SIFT: "Tolerated"; PolyPhen-2: "Benign"; Align-GVGD: "Class C0". The serine amino acid residue is found in multiple mammalian species, which suggests that this missense change does not adversely affect protein function. In summary, the available evidence is currently insufficient to determine the role of this variant in disease. Therefore, it has been classified as a Variant of Uncertain Significance.